The following is an entry in ClinVar:

ClinVar aggregate classification (germline): Likely benign (1 of 4 stars; one submission).

Conditions:
TNF receptor-associated periodic fever syndrome (TRAPS) (FPF). Also called: TNF Receptor-Associated Periodic Fever Syndrome; TNF receptor 1-associated periodic fever syndrome; FAMILIAL HIBERNIAN FEVER; TNF RECEPTOR-ASSOCIATED PERIODIC SYNDROME; TUMOR NECROSIS FACTOR RECEPTOR-ASSOCIATED PERIODIC SYNDROME; Autosomal Dominant Familial Periodic Fever. Identifiers: Orphanet 32960, MedGen C1275126, MONDO:0007727, OMIM 142680.

Allele frequency attached by ClinVar (database versions not stated): 1000 Genomes Project 30x 0.00765; gnomAD 0.00805 and 0.00748; TOPMed 0.00824; gnomAD exomes 0.00097; 1000 Genomes Project 0.00679.
gnomAD v4.1: 1,194 of 216,956 alleles (0.55%); highest among the groups gnomAD compares: African/African-American, 2.6%; 20 homozygotes.

Submission:

Illumina Laboratory Services, Illumina
Classification: Likely benign for TNF receptor-associated periodic fever syndrome (TRAPS). Last evaluated: 2017-04-27. Review status: criteria provided, single submitter. Criteria: ICSL Variant Classification Criteria 13 December 2019. Collection method: clinical testing. Allele origin: germline.
Comment: This variant was observed as part of a predisposition screen in an ostensibly healthy population. A literature search was performed for the gene, cDNA change, and amino acid change (where applicable). No publications were found based on this search. Allele frequency data from public databases allowed determination this variant is unlikely to cause disease. Therefore, this variant is classified as likely benign.

NM_001065.4(TNFRSF1A):c.*387A>G

Gene: TNFRSF1A (TNF receptor superfamily member 1A; minus strand). Cytogenetic location: 12p13.31.
Variant type: single nucleotide variant.
Coding change: c.*387A>G on transcript NM_001065.4 (MANE Select); 387 bases downstream of the stop codon, A replaced by G.
Molecular consequence: 3 prime UTR variant. On other transcripts: non-coding transcript variant (1).
Genome position (GRCh38, 1-based): chr12:6,328,925, T>C on the plus strand (A>G on the coding strand, the complement: TNFRSF1A is on the minus strand). VCF-style: chr12-6328925-T-C. GRCh37 (hg19) VCF-style: chr12-6438091-T-C.
Other names: c.*387A>G (NM_001346091.2, NM_001346092.2).
Identifiers: ClinVar variation 310096 (VCV000310096.5), dbSNP rs115682467, ClinGen allele CA10633418.